The following is an entry in ClinVar:

ClinVar aggregate classification (germline): Uncertain significance (1 of 4 stars; one submission).

gnomAD v4.1: 27 of 1,599,976 alleles (0.0017%); highest among the groups gnomAD compares: Non-Finnish European, 0.0023%; no homozygotes.

Submission:

Ambry Genetics
Classification: Uncertain significance. Last evaluated: 2025-11-14. Review status: criteria provided, single submitter. Criteria: Ambry Variant Classification Scheme 2023. Collection method: clinical testing. Allele origin: germline.
Comment: The c.756+4A>C intronic variant results from an A to C substitution 4 nucleotides after coding exon 6 in the RAD51B gene. This nucleotide position is highly conserved in available vertebrate species. In silico splice site analysis predicts that this alteration will not have any significant effect on splicing. The evidence for this gene-disease relationship is limited; therefore, the clinical significance of this alteration is unclear.

NM_133510.4(RAD51B):c.756+4A>C

Gene: RAD51B (RAD51 paralog B; plus strand). Cytogenetic location: 14q24.1.
Variant type: single nucleotide variant.
Coding change: c.756+4A>C on transcript NM_133510.4 (MANE Select); 4 bases into the intron after coding-DNA position 756, A replaced by C.
Molecular consequence: intron variant.
Genome position (GRCh38, 1-based): chr14:67,887,208, A>C. VCF-style: chr14-67887208-A-C. GRCh37 (hg19) VCF-style: chr14-68353925-A-C.
Other names: c.756+4A>C (NM_001321818.2, NM_001321809.2, NM_001321821.2 and 6 more transcripts); c.399+4A>C (NM_001321817.2); c.642+4A>C (NM_001321815.1).
Identifiers: ClinVar variation 4575266 (VCV004575266.1).